The following is an entry in ClinVar:

NM_153240.5(NPHP3):c.1032T>A (p.Asp344Glu)

Genes: NPHP3 (nephrocystin 3; minus strand), NPHP3-ACAD11 (NPHP3-ACAD11 readthrough (NMD candidate); minus strand). Cytogenetic location: 3q22.1.
Variant type: single nucleotide variant.
Coding change: c.1032T>A on transcript NM_153240.5 (MANE Select); coding-DNA position 1032, T replaced by A.
Protein change: p.Asp344Glu; replaces aspartic acid 344 with glutamic acid.
Molecular consequence: missense variant. On other transcripts: non-coding transcript variant (1).
Genome position (GRCh38, 1-based): chr3:132,713,212, A>T on the plus strand (T>A on the coding strand, the complement: NPHP3 is on the minus strand). VCF-style: chr3-132713212-A-T. GRCh37 (hg19) VCF-style: chr3-132432056-A-T.
Other names: short protein forms D344E.
Identifiers: ClinVar variation 863223 (VCV000863223.11), dbSNP rs778210113, ClinGen allele CA2622428.

ClinVar aggregate classification (germline): Uncertain significance. Review status: criteria provided, multiple submitters, no conflicts (2 of 4 stars). 3 submissions from 3 submitters: Uncertain significance (3). Last evaluated 2025-06-01.

Conditions:
NPHP3-related Meckel-like syndrome. Also called: GOLDSTON SYNDROME; Meckel syndrome type 7. Identifiers: Orphanet 3032, MedGen C2673885, MONDO:0009966, OMIM 267010.
Renal-hepatic-pancreatic dysplasia 1 (RHPD1). Identifiers: MedGen C3715199, MONDO:0008833, OMIM 208540.
Nephronophthisis 3 (NPHP3). Also called: Adolescent nephronophthisis. Identifiers: Orphanet 655, MedGen C1858392, MONDO:0011456, OMIM 604387.
NPHP3-related disorder. Also called: NPHP3-related condition; NPHP3-related disorders. Identifiers: MedGen CN379163.
Nephronophthisis. Also called: Juvenile Nephronophthisis. Identifiers: Orphanet 655, MedGen C0687120, MONDO:0019005, HP:0000090.

Allele frequency attached by ClinVar (database versions not stated): gnomAD exomes 0.00003 and 0.00004; TOPMed 0.00003; gnomAD 0.00004 and 0.00005; ExAC 0.00007.
gnomAD v4.1: 69 of 1,587,744 alleles (0.0043%); highest among the groups gnomAD compares: Non-Finnish European, 0.0056%; no homozygotes.

Submissions (3):

PreventionGenetics, part of Exact Sciences
Classification: Uncertain significance for NPHP3-related condition. Last evaluated: 2025-06-01. Review status: criteria provided, single submitter. Criteria: ACMG Guidelines, 2015. Collection method: clinical testing. Allele origin: germline.
Comment: The NPHP3 c.1032T>A variant is predicted to result in the amino acid substitution p.Asp344Glu. To our knowledge, this variant has not been reported in the literature. This variant is reported in 0.0071% of alleles in individuals of European (Non-Finnish) descent in gnomAD. At this time, the clinical significance of this variant is uncertain due to the absence of conclusive functional and genetic evidence.

Labcorp Genetics (formerly Invitae), Labcorp
Classification: Uncertain significance for Nephronophthisis. Last evaluated: 2024-02-19. Review status: criteria provided, single submitter. Criteria: Invitae Variant Classification Sherloc (09022015). Collection method: clinical testing. Allele origin: germline.
Comment: This sequence change replaces aspartic acid, which is acidic and polar, with glutamic acid, which is acidic and polar, at codon 344 of the NPHP3 protein (p.Asp344Glu). This variant is present in population databases (rs778210113, gnomAD 0.007%). This variant has not been reported in the literature in individuals affected with NPHP3-related conditions. ClinVar contains an entry for this variant (Variation ID: 863223). Advanced modeling of protein sequence and biophysical properties (such as structural, functional, and spatial information, amino acid conservation, physicochemical variation, residue mobility, and thermodynamic stability) performed at Invitae indicates that this missense variant is not expected to disrupt NPHP3 protein function with a negative predictive value of 80%. In summary, the available evidence is currently insufficient to determine the role of this variant in disease. Therefore, it has been classified as a Variant of Uncertain Significance.

Fulgent Genetics
Classification: Uncertain significance for Renal-hepatic-pancreatic dysplasia 1; NPHP3-related Meckel-like syndrome; Nephronophthisis 3. Last evaluated: 2021-12-22. Review status: criteria provided, single submitter. Criteria: ACMG Guidelines, 2015. Collection method: clinical testing. Allele origin: unknown.